The following is an entry in ClinVar:

NM_024675.4(PALB2):c.1677A>T (p.Gln559His)

Gene: PALB2 (partner and localizer of BRCA2; minus strand). Cytogenetic location: 16p12.2.
Variant type: single nucleotide variant.
Coding change: c.1677A>T on transcript NM_024675.4 (MANE Select); coding-DNA position 1677, A replaced by T.
Protein change: p.Gln559His; replaces glutamine 559 with histidine.
Molecular consequence: missense variant. On other transcripts: intron variant (3).
Genome position (GRCh38, 1-based): chr16:23,634,869, T>A on the plus strand (A>T on the coding strand, the complement: PALB2 is on the minus strand). VCF-style: chr16-23634869-T-A. GRCh37 (hg19) VCF-style: chr16-23646190-T-A.
Other names: c.1617A>T, p.Gln539His (NM_001407296.1); c.1677A>T, p.Gln559His (NM_001407297.1, NM_001407298.1, NM_001407299.1 and 3 more transcripts); c.792A>T, p.Gln264His (NM_001407304.1, NM_001407305.1, NM_001407306.1 and 5 more transcripts); c.49-5594A>T (NM_001407314.1); c.-104-4400A>T (NM_001407313.1, NM_001407312.1); short protein forms Q264H, Q559H, Q539H.
Identifiers: ClinVar variation 3927459 (VCV003927459.1).
Genomic context (GRCh38, chr16:23,634,869, plus strand): 5'-AATTGTTAACTTTCATCATCATCATCATCATCATCAAACACATCTTGATTTACCTTTCAC[T>A]TGAATAAATAATTTTTCGTGCTGATATTTGTGTGAGGTGACTTCTTCCTTGGACCTGTTA-3'
Protein context (NP_078951.2, residues 549-569): HKYQHEKLFI[Gln559His]VKGKKSRHQK

ClinVar aggregate classification (germline): Uncertain significance (1 of 4 stars; one submission).

Conditions:
Hereditary cancer-predisposing syndrome. Also called: Hereditary Cancer Syndrome; Hereditary neoplastic syndrome; Neoplastic Syndromes, Hereditary; Tumor predisposition. Identifiers: Orphanet 140162, MedGen C0027672, MeSH D009386, MONDO:0015356.

Submission:

Ambry Genetics
Classification: Uncertain significance for Hereditary cancer-predisposing syndrome. Last evaluated: 2025-06-03. Review status: criteria provided, single submitter. Criteria: Ambry Variant Classification Scheme 2023. Collection method: clinical testing. Allele origin: germline.
Comment: The p.Q559H variant (also known as c.1677A>T), located in coding exon 4 of the PALB2 gene, results from an A to T substitution at nucleotide position 1677. The glutamine at codon 559 is replaced by histidine, an amino acid with highly similar properties. This amino acid position is conserved. In addition, this alteration is predicted to be tolerated by in silico analysis. Based on the available evidence, the clinical significance of this variant remains unclear.